The following is an entry in ClinVar:

ClinVar aggregate classification (germline): Uncertain significance. Review status: criteria provided, multiple submitters, no conflicts (2 of 4 stars). 4 submissions from 3 submitters: Uncertain significance (4). Last evaluated 2026-08-05.

Conditions:
CDH23-related disorder. Also called: CDH23-related disorders; CDH23-related condition.
Usher syndrome type 1D (USH1D). Also called: USHER SYNDROME, TYPE ID. Identifiers: Orphanet 231169, Orphanet 886, MedGen C1832845, MONDO:0010984, OMIM 601067.
Autosomal recessive nonsyndromic hearing loss 12. Also called: DEAFNESS, AUTOSOMAL RECESSIVE 12. Identifiers: Orphanet 90636, MedGen C1832394, MONDO:0011067, OMIM 601386.

gnomAD v4.1: 12 of 1,613,904 alleles (0.00074%); highest among the groups gnomAD compares: South Asian, 0.0055%; no homozygotes.

Submissions (4):

PreventionGenetics, part of Exact Sciences
Classification: Uncertain significance for CDH23-related condition. Last evaluated: 2026-08-05. Review status: criteria provided, single submitter. Criteria: ACMG Guidelines, 2015. Collection method: clinical testing. Allele origin: germline.
Comment: The CDH23 c.7393C>T variant is predicted to result in the amino acid substitution p.Arg2465Trp. This variant has been reported in an individual with deafness (Astuto et al. 2002. PubMed ID: 12075507). This variant is present in 0.0065% of alleles in individuals of South Asian descent in gnomAD. At this time, the clinical significance of this variant is uncertain due to the absence of conclusive functional and genetic evidence.

Genome-Nilou Lab
Classification: Uncertain significance for Autosomal recessive nonsyndromic hearing loss 12. Last evaluated: 2021-07-14. Review status: criteria provided, single submitter. Criteria: ACMG Guidelines, 2015. Collection method: clinical testing. Allele origin: germline. Affected: no.

Genome-Nilou Lab
Classification: Uncertain significance for Usher syndrome type 1D. Last evaluated: 2021-07-14. Review status: criteria provided, single submitter. Criteria: ACMG Guidelines, 2015. Collection method: clinical testing. Allele origin: germline. Affected: no.

Ocular Genomics Institute, Massachusetts Eye and Ear
Classification: Uncertain significance for Usher syndrome type 1D. Last evaluated: 2021-04-08. Review status: criteria provided, single submitter. Criteria: ACMG Guidelines, 2015. Collection method: research. Allele origin: germline. Affected: yes.
Comment: Through a review of available evidence we were able to apply the following criteria: PM2, PM1. Based on this evidence we have classified this variant as Variant of Uncertain Significance.

Literature cited by the submitters: PubMed 12075507 (cited by Ocular Genomics Institute, Massachusetts Eye and Ear).

NM_022124.6(CDH23):c.7393C>T (p.Arg2465Trp)

Gene: CDH23 (cadherin related 23; plus strand). Cytogenetic location: 10q22.1.
Variant type: single nucleotide variant.
Coding change: c.7393C>T on transcript NM_022124.6 (MANE Select); coding-DNA position 7393, C replaced by T.
Protein change: p.Arg2465Trp; replaces arginine 2465 with tryptophan.
Molecular consequence: missense variant.
Genome position (GRCh38, 1-based): chr10:71,800,666, C>T. VCF-style: chr10-71800666-C-T. GRCh37 (hg19) VCF-style: chr10-73560423-C-T.
Other names: c.673C>T, p.Arg225Trp (NM_001171933.1, NM_001171934.1); short protein forms R225W, R2465W.
Identifiers: ClinVar variation 1064756 (VCV001064756.5), dbSNP rs760879110, ClinGen allele CA377159863.